The following is an entry in ClinVar:

ClinVar aggregate classification (germline): Conflicting classifications of pathogenicity. Review status: criteria provided, conflicting classifications (1 of 4 stars). 7 submissions from 6 submitters: Uncertain significance (2); Likely benign (4). 1 of the submissions does not count toward it. Last evaluated 2025-12-31.

Conditions:
PRKAG2-related disorder. Also called: PRKAG2-related condition; PRKAG2-related disorders.
Cardiovascular phenotype. Identifiers: MedGen CN230736.
Cardiomyopathy (CMYO). Also called: Cardiomyopathies. Identifiers: Orphanet 167848, MedGen C0878544, MONDO:0004994, HP:0001638. Inheritance: Various modes of inheritance.
Wolff-Parkinson-White pattern. Also called: WPW SYNDROME; Auriculoventricular accessory pathway syndrome; False bundle branch block syndrome; Anomalous ventricular excitation syndrome. Identifiers: MedGen C0043202, MONDO:0008685, OMIM 194200, HP:0001716.
Hypertrophic cardiomyopathy 6. Identifiers: MedGen C1833236, MONDO:0010946, OMIM 600858.
Lethal congenital glycogen storage disease of heart. Also called: PHOSPHORYLASE KINASE DEFICIENCY OF HEART; GLYCOGEN STORAGE DISEASE OF HEART. Identifiers: Orphanet 439854, MedGen C1849813, MONDO:0009867, OMIM 261740.
Hypertrophic cardiomyopathy. Also called: HYPERTROPHIC MYOCARDIOPATHY. Identifiers: Orphanet 217569, MedGen C0007194, MeSH D002312, MONDO:0005045, HP:0001639.

Allele frequency attached by ClinVar (database versions not stated): ExAC 0.00001; gnomAD 0.00001; gnomAD exomes 0.00001 and 0.00004; TOPMed 0.00001.
gnomAD v4.1: 52 of 1,608,230 alleles (0.0032%); highest among the groups gnomAD compares: Non-Finnish European, 0.0043%; no homozygotes.

Submissions (7):

Labcorp Genetics (formerly Invitae), Labcorp
Classification: Likely benign for Lethal congenital glycogen storage disease of heart. Last evaluated: 2025-12-31. Review status: criteria provided, single submitter. Criteria: Invitae Variant Classification Sherloc (09022015). Collection method: clinical testing. Allele origin: germline.

All of Us Research Program, National Institutes of Health
Classification: Likely benign for Hypertrophic cardiomyopathy. Last evaluated: 2023-11-20. Review status: criteria provided, single submitter. Criteria: ACMG Guidelines, 2015. Collection method: clinical testing. Allele origin: germline. Inheritance: Autosomal dominant inheritance. Observed: 3 variant alleles, 3 heterozygotes.
Comment: This study involves interpretation of variants in research participants for the purpose of population health screening. Participant phenotype was not available at the time of variant classification. Additional details can be found in publication PMID: 35346344, PMCID: PMC8962531

Ambry Genetics
Classification: Likely benign for Cardiovascular phenotype. Last evaluated: 2021-05-10. Review status: criteria provided, single submitter. Criteria: Ambry Variant Classification Scheme 2023. Collection method: clinical testing. Allele origin: germline.

Color Diagnostics, LLC DBA Color Health
Classification: Likely benign for Cardiomyopathy. Last evaluated: 2019-03-08. Review status: criteria provided, single submitter. Criteria: ACMG Guidelines, 2015. Collection method: clinical testing. Allele origin: germline.

Illumina Laboratory Services, Illumina
Classification: Uncertain significance for Hypertrophic cardiomyopathy 6. Last evaluated: 2018-01-12. Review status: criteria provided, single submitter. Criteria: ICSL Variant Classification Criteria 13 December 2019. Collection method: clinical testing. Allele origin: germline.

Illumina Laboratory Services, Illumina
Classification: Uncertain significance for Wolff-Parkinson-White pattern. Last evaluated: 2018-01-12. Review status: criteria provided, single submitter. Criteria: ICSL Variant Classification Criteria 13 December 2019. Collection method: clinical testing. Allele origin: germline.

PreventionGenetics, part of Exact Sciences
Classification: Likely benign for PRKAG2-related condition. Last evaluated: 2024-09-25. Review status: no assertion criteria provided. Collection method: clinical testing. Allele origin: germline. Not counted in ClinVar's aggregate classification.
Comment: This variant is classified as likely benign based on ACMG/AMP sequence variant interpretation guidelines (Richards et al. 2015 PMID: 25741868, with internal and published modifications).

NM_016203.4(PRKAG2):c.88A>C (p.Arg30=)

Gene: PRKAG2 (protein kinase AMP-activated non-catalytic subunit gamma 2; minus strand). Cytogenetic location: 7q36.1.
Variant type: single nucleotide variant.
Coding change: c.88A>C on transcript NM_016203.4 (MANE Select); coding-DNA position 88, A replaced by C.
Protein change: p.Arg30=; no amino-acid change (arginine 30 retained).
Molecular consequence: synonymous variant.
Genome position (GRCh38, 1-based): chr7:151,876,533, T>G on the plus strand (A>C on the coding strand, the complement: PRKAG2 is on the minus strand). VCF-style: chr7-151876533-T-G. GRCh37 (hg19) VCF-style: chr7-151573618-T-G.
Identifiers: ClinVar variation 465343 (VCV000465343.18), dbSNP rs756923555, ClinGen allele CA058646.
Genomic context (GRCh38, chr7:151,876,533, plus strand): 5'-GCTGGGGAGCAGGGGACCGAGTGCTGGGACTCACCGGAATGTGCACGCGCAGCGAACGCC[T>G]CTTCTGGCTGGCATTTTTCTTGCCGCCGCTCCCGCCGGGGCTGGAAACATCTTTTTTCTT-3'
Protein context (NP_057287.2, residues 20-40): SGGKKNASQK[Arg30=]RSLRVHIPDL